The following is an entry in ClinVar:

NM_022455.5(NSD1):c.5510C>A (p.Ala1837Asp)

Gene: NSD1 (nuclear receptor binding SET domain protein 1; plus strand). Cytogenetic location: 5q35.3.
Variant type: single nucleotide variant.
Coding change: c.5510C>A on transcript NM_022455.5 (MANE Select); coding-DNA position 5510, C replaced by A.
Protein change: p.Ala1837Asp; replaces alanine 1837 with aspartic acid.
Molecular consequence: missense variant.
Genome position (GRCh38, 1-based): chr5:177,273,672, C>A. VCF-style: chr5-177273672-C-A. GRCh37 (hg19) VCF-style: chr5-176700673-C-A.
Other names: c.4637C>A, p.Ala1546Asp (NM_001365684.2, NM_172349.5, NM_001409308.1 and 1 more transcripts); c.5510C>A, p.Ala1837Asp (NM_001409301.1, NM_001409302.1, NM_001409303.1); c.5090C>A, p.Ala1697Asp (NM_001409304.1); c.4757C>A, p.Ala1586Asp (NM_001409305.1); c.4748C>A, p.Ala1583Asp (NM_001409306.1, NM_001409307.1); short protein forms A1546D, A1583D, A1586D, A1697D, A1837D.
Identifiers: ClinVar variation 3027455 (VCV003027455.1), dbSNP rs2480749099, ClinGen allele CA362308331.

ClinVar aggregate classification (germline): Likely pathogenic (1 of 4 stars; one submission).

Conditions:
Sotos syndrome (SOTOS). Also called: CHROMOSOME 5q35 DELETION SYNDROME; SOTOS SYNDROME 1; CEREBRAL GIGANTISM; Sotos' syndrome; Distinctive facial appearance, overgrowth in childhood, and learning disabilities or delayed development. Identifiers: Orphanet 821, MedGen C0175695, MONDO:0019349, OMIM 117550.

Submission:

Human Genetics Bochum, Ruhr University Bochum
Classification: Likely pathogenic for Sotos syndrome. Last evaluated: 2023-11-29. Review status: criteria provided, single submitter. Criteria: ACMG Guidelines, 2015. Collection method: clinical testing. Allele origin: germline. Affected: yes.
Comment: ACMG criteria used to clasify this variant: PS2_MOD, PM1, PP3_MOD, PM2_SUP